The following is an entry in ClinVar:

NM_012292.5(ARHGAP45):c.2292C>T (p.Ser764=)

Gene: ARHGAP45 (Rho GTPase activating protein 45; plus strand). Cytogenetic location: 19p13.3.
Variant type: single nucleotide variant.
Coding change: c.2292C>T on transcript NM_012292.5 (MANE Select); coding-DNA position 2292, C replaced by T.
Protein change: p.Ser764=; no amino-acid change (serine 764 retained).
Molecular consequence: synonymous variant.
Genome position (GRCh38, 1-based): chr19:1,081,651, C>T. VCF-style: chr19-1081651-C-T. GRCh37 (hg19) VCF-style: chr19-1081650-C-T.
Other names: c.2340C>T, p.Ser780= (NM_001258328.4); c.1197C>T, p.Ser399= (NM_001282334.2); c.1941C>T, p.Ser647= (NM_001282335.3); c.2304C>T, p.Ser768= (NM_001321232.2).
Identifiers: ClinVar variation 2648899 (VCV002648899.24), dbSNP rs368248990, ClinGen allele CA9036120.

ClinVar aggregate classification (germline): Likely benign (1 of 4 stars; one submission).

Allele frequency attached by ClinVar (database versions not stated): gnomAD 0.00040; gnomAD exomes 0.00041; TOPMed 0.00042; ESP Exome Variant Server 0.00047; ExAC 0.00109.

Submission:

CeGaT Center for Human Genetics Tuebingen
Classification: Likely benign. Last evaluated: 2022-10-01. Review status: criteria provided, single submitter. Criteria: CeGaT Center For Human Genetics Tuebingen Variant Classification Criteria Version 2. Collection method: clinical testing. Allele origin: germline. Affected: yes. Observed: 1 variant allele.
Comment: ARHGAP45: BP4, BP7